The following is an entry in ClinVar:

ClinVar aggregate classification (germline): Uncertain significance. Review status: criteria provided, multiple submitters, no conflicts (2 of 4 stars). 2 submissions from 2 submitters: Uncertain significance (2). Last evaluated 2025-04-22.

Conditions:
Hereditary cancer-predisposing syndrome. Also called: Tumor predisposition; Neoplastic Syndromes, Hereditary; Hereditary Cancer Syndrome; Hereditary neoplastic syndrome. Identifiers: Orphanet 140162, MedGen C0027672, MeSH D009386, MONDO:0015356.
EGFR-related lung cancer (EGFR). Identifiers: MedGen CN130014.

Submissions (2):

Ambry Genetics
Classification: Uncertain significance for Hereditary cancer-predisposing syndrome. Last evaluated: 2025-04-22. Review status: criteria provided, single submitter. Criteria: Ambry Variant Classification Scheme 2023. Collection method: clinical testing. Allele origin: germline.
Comment: The p.V89A variant (also known as c.266T>C), located in coding exon 3 of the EGFR gene, results from a T to C substitution at nucleotide position 266. The valine at codon 89 is replaced by alanine, an amino acid with similar properties. This amino acid position is highly conserved in available vertebrate species. In addition, this alteration is predicted to be deleterious by in silico analysis. Based on the available evidence, the clinical significance of this variant remains unclear.

Labcorp Genetics (formerly Invitae), Labcorp
Classification: Uncertain significance for EGFR-related lung cancer. Last evaluated: 2024-04-06. Review status: criteria provided, single submitter. Criteria: Invitae Variant Classification Sherloc (09022015). Collection method: clinical testing. Allele origin: germline.
Comment: This sequence change replaces valine, which is neutral and non-polar, with alanine, which is neutral and non-polar, at codon 89 of the EGFR protein (p.Val89Ala). This variant is not present in population databases (gnomAD no frequency). This variant has not been reported in the literature in individuals affected with EGFR-related conditions. Advanced modeling of protein sequence and biophysical properties (such as structural, functional, and spatial information, amino acid conservation, physicochemical variation, residue mobility, and thermodynamic stability) performed at Invitae indicates that this missense variant is expected to disrupt EGFR protein function with a positive predictive value of 80%. In summary, the available evidence is currently insufficient to determine the role of this variant in disease. Therefore, it has been classified as a Variant of Uncertain Significance.

NM_005228.5(EGFR):c.266T>C (p.Val89Ala)

Gene: EGFR (epidermal growth factor receptor; plus strand). Cytogenetic location: 7p11.2.
Variant type: single nucleotide variant.
Coding change: c.266T>C on transcript NM_005228.5 (MANE Select); coding-DNA position 266, T replaced by C.
Protein change: p.Val89Ala; replaces valine 89 with alanine.
Molecular consequence: missense variant. On other transcripts: intron variant (1).
Genome position (GRCh38, 1-based): chr7:55,143,330, T>C. VCF-style: chr7-55143330-T-C. GRCh37 (hg19) VCF-style: chr7-55211023-T-C.
Other names: c.266T>C, p.Val89Ala (NM_001346897.2, NM_001346898.2, NM_001346899.2 and 3 more transcripts); c.107T>C, p.Val36Ala (NM_001346900.2); c.89-12500T>C (NM_001346941.2); short protein forms V36A, V89A.
Identifiers: ClinVar variation 2836191 (VCV002836191.4), dbSNP rs2535447330, ClinGen allele CA367575674.
Genomic context (GRCh38, chr7:55,143,330, plus strand): 5'-AAGAGAAATCACGCATTTATGTTTTCTCTTCTTAGACCATCCAGGAGGTGGCTGGTTATG[T>C]CCTCATTGCCCTCAACACAGTGGAGCGAATTCCTTTGGAAAACCTGCAGATCATCAGAGG-3'
Protein context (NP_005219.2, residues 79-99): LKTIQEVAGY[Val89Ala]LIALNTVERI